The following is an entry in ClinVar:

ClinVar aggregate classification (germline): Conflicting classifications of pathogenicity. Review status: criteria provided, conflicting classifications (1 of 4 stars). 4 submissions from 4 submitters: Uncertain significance (3); Likely benign (1). Last evaluated 2026-06-02.

Conditions:
Renal cell carcinoma. Identifiers: Orphanet 217071, MedGen C0007134, MeSH D002292, MONDO:0005086, HP:0005584.
Hereditary cancer-predisposing syndrome. Also called: Neoplastic Syndromes, Hereditary; Hereditary Cancer Syndrome; Hereditary neoplastic syndrome; Tumor predisposition. Identifiers: Orphanet 140162, MedGen C0027672, MeSH D009386, MONDO:0015356.
Papillary renal cell carcinoma type 1 (RCCP1). Also called: Renal adenocarcinoma; Renal cell carcinoma 1; Renal cell carcinoma, somatic; RENAL CELL CARCINOMA, PAPILLARY, 1, SOMATIC. Identifiers: Orphanet 47044, MedGen C1336839, OMIM 605074, HP:0011797.

Allele frequency attached by ClinVar (database versions not stated): ExAC 0.00001; gnomAD exomes 0.00001; TOPMed 0.00001.
gnomAD v4.1: 7 of 1,614,088 alleles (0.00043%); highest among the groups gnomAD compares: Non-Finnish European, 0.00059%; no homozygotes.

Submissions (4):

Ambry Genetics
Classification: Likely benign for Hereditary cancer-predisposing syndrome. Last evaluated: 2026-06-02. Review status: criteria provided, single submitter. Criteria: Ambry Variant Classification Scheme 2023. Collection method: clinical testing. Allele origin: germline.

Clinical Genomics Laboratory, Washington University in St. Louis
Classification: Uncertain significance for Papillary renal cell carcinoma type 1. Last evaluated: 2026-05-01. Review status: criteria provided, single submitter. Criteria: ACMG Guidelines, 2015. Collection method: clinical testing. Allele origin: germline.
Comment: A MET c.425A>G (p.Gln142Arg) variant was identified at a heterozygous allelic fraction of 51.3%, a frequency which may be consistent with germline origin. This variant, to our knowledge, has not been reported in the medical literature but has been reported in the ClinVar database as a germline variant of uncertain significance by three submitters (Variation ID: 454251). It is only observed in 7/1,614,088 alleles in the general population (gnomAD v4.1.1), indicating it is not a common variant. Computational predictors suggest that the variant does not impact MET function. Due to limited information, and based on ACMG/AMP guidelines for variant interpretation (Richards S et al., PMID: 25741868), the clinical significance of this variant is uncertain at this time.

Labcorp Genetics (formerly Invitae), Labcorp
Classification: Uncertain significance for Renal cell carcinoma. Last evaluated: 2024-12-08. Review status: criteria provided, single submitter. Criteria: Invitae Variant Classification Sherloc (09022015). Collection method: clinical testing. Allele origin: germline.
Comment: This sequence change replaces glutamine, which is neutral and polar, with arginine, which is basic and polar, at codon 142 of the MET protein (p.Gln142Arg). This variant is not present in population databases (gnomAD no frequency). This variant has not been reported in the literature in individuals affected with MET-related conditions. ClinVar contains an entry for this variant (Variation ID: 454251). Invitae Evidence Modeling of protein sequence and biophysical properties (such as structural, functional, and spatial information, amino acid conservation, physicochemical variation, residue mobility, and thermodynamic stability) indicates that this missense variant is not expected to disrupt MET protein function with a negative predictive value of 80%. In summary, the available evidence is currently insufficient to determine the role of this variant in disease. Therefore, it has been classified as a Variant of Uncertain Significance.

St. Jude Molecular Pathology, St. Jude Children's Research Hospital
Classification: Uncertain significance for Papillary renal cell carcinoma type 1. Last evaluated: 2022-09-21. Review status: criteria provided, single submitter. Criteria: St. Jude Assertion Criteria 2020. Collection method: clinical testing. Allele origin: germline.
Comment: The MET c.425A>G (p.Gln142Arg) missense change is absent in gnomAD v2.1.1. The in silico tool REVEL predicts a benign effect on protein function, but to our knowledge this prediction has not been confirmed by functional studies. To our knowledge, this variant has not been reported in individuals with hereditary papillary renal cell carcinoma. In summary, the evidence currently available is insufficient to determine the clinical significance of this variant. It has therefore been classified as of uncertain significance.

NM_000245.4(MET):c.425A>G (p.Gln142Arg)

Gene: MET (MET proto-oncogene, receptor tyrosine kinase; plus strand). Cytogenetic location: 7q31.2.
Variant type: single nucleotide variant.
Coding change: c.425A>G on transcript NM_000245.4 (MANE Select); coding-DNA position 425, A replaced by G.
Protein change: p.Gln142Arg; replaces glutamine 142 with arginine.
Molecular consequence: missense variant. On other transcripts: intron variant (1).
Genome position (GRCh38, 1-based): chr7:116,699,509, A>G. VCF-style: chr7-116699509-A-G. GRCh37 (hg19) VCF-style: chr7-116339563-A-G.
Other names: c.425A>G, p.Gln142Arg (NM_001127500.3, NM_001324401.3); c.-91+26932A>G (NM_001324402.2); short protein forms Q142R.
Identifiers: ClinVar variation 454251 (VCV000454251.16), dbSNP rs768640780, ClinGen allele CA4447989.